The following is an entry in ClinVar:

ClinVar aggregate classification (germline): Conflicting classifications of pathogenicity. Review status: criteria provided, conflicting classifications (1 of 4 stars). 4 submissions from 4 submitters: Pathogenic (1); Uncertain significance (1); Benign (1). 1 of the submissions does not count toward it. Last evaluated 2025-11-17.

Conditions:
SCARB1-related disorder. Also called: SCARB1-related condition.
HIGH DENSITY LIPOPROTEIN CHOLESTEROL LEVEL QUANTITATIVE TRAIT LOCUS 6 (HDLCQ6). Identifiers: MedGen C1853096, OMIM 610762.

Allele frequency attached by ClinVar (database versions not stated): TOPMed 0.00063; ExAC 0.00065; gnomAD 0.00066 and 0.00068; ESP Exome Variant Server 0.00085; gnomAD exomes 0.00099.
gnomAD v4.1: 867 of 1,609,304 alleles (0.054%); highest among the groups gnomAD compares: Middle Eastern, 0.017%; 15 homozygotes.

Submissions (4):

Labcorp Genetics (formerly Invitae), Labcorp
Classification: Benign. Last evaluated: 2025-11-17. Review status: criteria provided, single submitter. Criteria: Invitae Variant Classification Sherloc (09022015). Collection method: clinical testing. Allele origin: germline.

Department of Pathology and Laboratory Medicine, Sinai Health System
Classification: Uncertain significance for SCARB1-related disorder. Last evaluated: 2021-09-11. Review status: criteria provided, single submitter. Criteria: ACMG Guidelines, 2015. Collection method: research. Allele origin: germline.

Rady Children's Institute for Genomic Medicine, Rady Children's Hospital San Diego
Classification: Pathogenic for HIGH DENSITY LIPOPROTEIN CHOLESTEROL LEVEL QUANTITATIVE TRAIT LOCUS 6. Last evaluated: 2019-03-22. Review status: criteria provided, single submitter. Criteria: ACMG Guidelines, 2015. Collection method: clinical testing. Allele origin: germline. Affected: yes. Observed: 1 variant allele.
Comment: This variant has been previously reported as a heterozygous or homozygous change in patients with high HDL cholesterol and coronary heart disease risk (PMID: 26965621). In vitro and in vivo studies show that in the heterozygous state this variant causes a profound reduction in HDL uptake (PMID: 26965621). This variant is present in the heterozygous state in the gnomAD population database at a frequency of .09% (254/277086) and thus is presumed to be rare. However, it is more common in some ethnic groups, reaching allele frequencies of 2%. In silico tools used to predict the effect of this variant on protein function yield discordant results. Based on the available evidence, the c.1127C>T (p.Pro376Leu) variant is classified as pathogenic .

OMIM
Classification: association for HIGH DENSITY LIPOPROTEIN CHOLESTEROL LEVEL QUANTITATIVE TRAIT LOCUS 6. Last evaluated: 2018-07-20. Review status: no assertion criteria provided. Collection method: literature only. Allele origin: germline. Not counted in ClinVar's aggregate classification.

Literature cited by the submitters: PubMed 26965621 (cited by OMIM).

NM_005505.5(SCARB1):c.1127C>T (p.Pro376Leu)

Gene: SCARB1 (scavenger receptor class B member 1; minus strand). Cytogenetic location: 12q24.31.
Variant type: single nucleotide variant.
Coding change: c.1127C>T on transcript NM_005505.5 (MANE Select); coding-DNA position 1127, C replaced by T.
Protein change: p.Pro376Leu; replaces proline 376 with leucine.
Molecular consequence: missense variant. On other transcripts: non-coding transcript variant (6), intron variant (2).
Genome position (GRCh38, 1-based): chr12:124,800,125, G>A on the plus strand (C>T on the coding strand, the complement: SCARB1 is on the minus strand). VCF-style: chr12-124800125-G-A. GRCh37 (hg19) VCF-style: chr12-125284671-G-A.
Other names: c.1127C>T, p.Pro376Leu (NM_001082959.2, NM_001367981.1, NM_001367983.1 and 3 more transcripts); c.1004C>T, p.Pro335Leu (NM_001367982.1); c.1103C>T, p.Pro368Leu (NM_001367985.1); c.727-4857C>T (NM_001367988.1); c.1004+7641C>T (NM_001367987.1); short protein forms P376L, P335L, P368L.
Identifiers: ClinVar variation 253091 (VCV000253091.11), dbSNP rs74830677, ClinGen allele CA6870326.
Genomic context (GRCh38, chr12:124,800,125, plus strand): 5'-AGCCAGGTGTGCTCCAACCAGGAATCACCCACCCCCCACAGAGGATGGCAGGGGCTCACC[G>A]GGTGGATGTCCAGGAACAAGGAGTGTGCCTCCTGGTTAGGGTGCAGGCCAGTCACCGCTT-3'
Protein context (NP_005496.4, residues 366-386): EAHSLFLDIH[Pro376Leu]VTGIPMNCSV